The following is an entry in ClinVar:

NM_000400.4(ERCC2):c.731T>C (p.Ile244Thr)

Gene: ERCC2 (ERCC excision repair 2, TFIIH core complex helicase subunit; minus strand). Cytogenetic location: 19q13.32.
Variant type: single nucleotide variant.
Coding change: c.731T>C on transcript NM_000400.4 (MANE Select); coding-DNA position 731, T replaced by C.
Protein change: p.Ile244Thr; replaces isoleucine 244 with threonine.
Molecular consequence: missense variant.
Genome position (GRCh38, 1-based): chr19:45,364,319, A>G on the plus strand (T>C on the coding strand, the complement: ERCC2 is on the minus strand). VCF-style: chr19-45364319-A-G. GRCh37 (hg19) VCF-style: chr19-45867577-A-G.
Other names: c.659T>C, p.Ile220Thr (NM_001130867.2); short protein forms I220T, I244T.
Identifiers: ClinVar variation 1758311 (VCV001758311.2), dbSNP rs774897368, ClinGen allele CA9513651.
Genomic context (GRCh38, chr19:45,364,319, plus strand): 5'-TCCAGGTTGCCCTGGCACCGGTCAAGGGTCCGGCGGGTGAGGTTGACGCTCATGGAGTCG[A>G]TGCAGACGTTGTCTGGAGAAGGGGGAGAGAGCCGGCTCAGGCAGGCCTGCAGGGGCCTCA-3'
Protein context (NP_000391.1, residues 234-254): DEAHNIDNVC[Ile244Thr]DSMSVNLTRR

ClinVar aggregate classification (germline): Uncertain significance (1 of 4 stars; one submission).

Conditions:
Inborn genetic diseases. Identifiers: MedGen C0950123, MeSH D030342.

Allele frequency attached by ClinVar (database versions not stated): gnomAD exomes below 0.00001; ExAC 0.00001.
gnomAD v4.1: 2 of 1,613,976 alleles (0.00012%); highest among the groups gnomAD compares: East Asian, 0.0045%; no homozygotes.

Submission:

Ambry Genetics
Classification: Uncertain significance for Inborn genetic diseases. Last evaluated: 2021-07-13. Review status: criteria provided, single submitter. Criteria: Ambry Variant Classification Scheme 2023. Collection method: clinical testing. Allele origin: germline.
Comment: The p.I244T variant (also known as c.731T>C), located in coding exon 9 of the ERCC2 gene, results from a T to C substitution at nucleotide position 731. The isoleucine at codon 244 is replaced by threonine, an amino acid with similar properties. This amino acid position is conserved. In addition, this alteration is predicted to be deleterious by in silico analysis. Since supporting evidence is limited at this time, the clinical significance of this alteration remains unclear.